The following is an entry in ClinVar:

ClinVar aggregate classification (germline): Uncertain significance (1 of 4 stars; one submission).

Conditions:
Bethlem myopathy 1A. Also called: MYOPATHY, BENIGN CONGENITAL, WITH CONTRACTURES; Bethlem myopathy 1; Bethlem Muscular Dystrophy. Identifiers: Orphanet 610, MedGen CN029274, MONDO:0024530, OMIM 158810.

gnomAD v4.1: 4 of 1,612,794 alleles (0.00025%); highest among the groups gnomAD compares: South Asian, 0.0044%; no homozygotes.

Submission:

Labcorp Genetics (formerly Invitae), Labcorp
Classification: Uncertain significance for Bethlem myopathy 1A. Last evaluated: 2025-12-01. Review status: criteria provided, single submitter. Criteria: Invitae Variant Classification Sherloc (09022015). Collection method: clinical testing. Allele origin: germline.
Comment: This sequence change replaces glutamine, which is neutral and polar, with lysine, which is basic and polar, at codon 503 of the COL6A2 protein (p.Gln503Lys). This variant is present in population databases (no rsID available, gnomAD 0.004%). This variant has not been reported in the literature in individuals affected with COL6A2-related conditions. Invitae Evidence Modeling of protein sequence and biophysical properties (such as structural, functional, and spatial information, amino acid conservation, physicochemical variation, residue mobility, and thermodynamic stability) indicates that this missense variant is not expected to disrupt COL6A2 protein function with a negative predictive value of 80%. In summary, the available evidence is currently insufficient to determine the role of this variant in disease. Therefore, it has been classified as a Variant of Uncertain Significance.

NM_001849.4(COL6A2):c.1507C>A (p.Gln503Lys)

Gene: COL6A2 (collagen type VI alpha 2 chain; plus strand). Cytogenetic location: 21q22.3.
Variant type: single nucleotide variant.
Coding change: c.1507C>A on transcript NM_001849.4 (MANE Select); coding-DNA position 1507, C replaced by A.
Protein change: p.Gln503Lys; replaces glutamine 503 with lysine.
Molecular consequence: missense variant.
Genome position (GRCh38, 1-based): chr21:46,121,604, C>A. VCF-style: chr21-46121604-C-A. GRCh37 (hg19) VCF-style: chr21-47541518-C-A.
Other names: c.1507C>A, p.Gln503Lys (NM_058174.3, NM_058175.3); short protein forms Q503K.
Identifiers: ClinVar variation 4708419 (VCV004708419.1).